The following is an entry in ClinVar:

ClinVar aggregate classification (germline): Uncertain significance (1 of 4 stars; one submission).

Allele frequency attached by ClinVar (database versions not stated): gnomAD exomes 0.00001 and 0.00005; ExAC 0.00007; TOPMed 0.00024; gnomAD 0.00027 and 0.00028; 1000 Genomes Project 30x 0.00031; 1000 Genomes Project 0.00040.
gnomAD v4.1: 54 of 1,596,390 alleles (0.0034%); highest among the groups gnomAD compares: African/African-American, 0.069%; no homozygotes.

Submission:

Labcorp Genetics (formerly Invitae), Labcorp
Classification: Uncertain significance. Last evaluated: 2022-08-12. Review status: criteria provided, single submitter. Criteria: Invitae Variant Classification Sherloc (09022015). Collection method: clinical testing. Allele origin: germline.
Comment: This sequence change replaces histidine, which is basic and polar, with tyrosine, which is neutral and polar, at codon 60 of the GTPBP3 protein (p.His60Tyr). This variant is present in population databases (rs560083256, gnomAD 0.1%). This variant has not been reported in the literature in individuals affected with GTPBP3-related conditions. ClinVar contains an entry for this variant (Variation ID: 1370866). Algorithms developed to predict the effect of missense changes on protein structure and function (SIFT, PolyPhen-2, Align-GVGD) all suggest that this variant is likely to be tolerated. In summary, the available evidence is currently insufficient to determine the role of this variant in disease. Therefore, it has been classified as a Variant of Uncertain Significance.

NM_032620.4(GTPBP3):c.178C>T (p.His60Tyr)

Gene: GTPBP3 (GTP binding protein 3, mitochondrial; plus strand). Cytogenetic location: 19p13.11.
Variant type: single nucleotide variant.
Coding change: c.178C>T on transcript NM_032620.4 (MANE Select); coding-DNA position 178, C replaced by T.
Protein change: p.His60Tyr; replaces histidine 60 with tyrosine.
Molecular consequence: missense variant.
Genome position (GRCh38, 1-based): chr19:17,338,132, C>T. VCF-style: chr19-17338132-C-T. GRCh37 (hg19) VCF-style: chr19-17448941-C-T.
Other names: c.178C>T, p.His60Tyr (NM_001128855.3, NM_133644.4); c.244C>T, p.His82Tyr (NM_001195422.1); short protein forms H60Y, H82Y.
Identifiers: ClinVar variation 1370866 (VCV001370866.3), dbSNP rs560083256, ClinGen allele CA9293251.